The following is an entry in ClinVar:

NM_000038.6(APC):c.4390G>C (p.Glu1464Gln)

Gene: APC (APC regulator of Wnt signaling pathway; plus strand). Cytogenetic location: 5q22.2.
Variant type: single nucleotide variant.
Coding change: c.4390G>C on transcript NM_000038.6 (MANE Select); coding-DNA position 4390, G replaced by C.
Protein change: p.Glu1464Gln; replaces glutamic acid 1464 with glutamine.
Molecular consequence: missense variant.
Genome position (GRCh38, 1-based): chr5:112,839,984, G>C. VCF-style: chr5-112839984-G-C. GRCh37 (hg19) VCF-style: chr5-112175681-G-C.
Other names: c.4390G>C (NM_000038.5); c.4390G>C, p.Glu1464Gln (NM_001127510.3, NM_001354895.2); c.4336G>C, p.Glu1446Gln (NM_001127511.3); c.4444G>C, p.Glu1482Gln (NM_001354896.2); c.4420G>C, p.Glu1474Gln (NM_001354897.2); c.4315G>C, p.Glu1439Gln (NM_001354898.2); c.4306G>C, p.Glu1436Gln (NM_001354899.2); c.4267G>C, p.Glu1423Gln (NM_001354900.2); and 6 more; short protein forms E1181Q, E1373Q, E1464Q, E1474Q, E1338Q, E1405Q, E1304Q, E1439Q.
Identifiers: ClinVar variation 1353538 (VCV001353538.9), dbSNP rs2149913545, ClinGen allele CA16030944.

ClinVar aggregate classification (germline): Uncertain significance. Review status: criteria provided, multiple submitters, no conflicts (2 of 4 stars). 2 submissions from 2 submitters: Uncertain significance (2). Last evaluated 2023-07-19.

Conditions:
Hereditary cancer-predisposing syndrome. Also called: Neoplastic Syndromes, Hereditary; Tumor predisposition; Hereditary neoplastic syndrome; Hereditary Cancer Syndrome. Identifiers: Orphanet 140162, MedGen C0027672, MeSH D009386, MONDO:0015356.
Familial adenomatous polyposis 1 (FAP1). Also called: FAMILIAL ADENOMATOUS POLYPOSIS 1, ATTENUATED; POLYPOSIS, ADENOMATOUS INTESTINAL. Identifiers: MedGen C2713442, MONDO:0021056, OMIM 175100. Disease mechanism: loss of function.

gnomAD v4.1: 1 of 1,614,152 alleles (0.000062%); highest among the groups gnomAD compares: Non-Finnish European, 0.000085%; no homozygotes.

Submissions (2):

Labcorp Genetics (formerly Invitae), Labcorp
Classification: Uncertain significance for Familial adenomatous polyposis 1. Last evaluated: 2023-07-19. Review status: criteria provided, single submitter. Criteria: Invitae Variant Classification Sherloc (09022015). Collection method: clinical testing. Allele origin: germline.
Comment: This variant is not present in population databases (gnomAD no frequency). This sequence change replaces glutamic acid, which is acidic and polar, with glutamine, which is neutral and polar, at codon 1464 of the APC protein (p.Glu1464Gln). This variant has not been reported in the literature in individuals affected with APC-related conditions. ClinVar contains an entry for this variant (Variation ID: 1353538). Advanced modeling of protein sequence and biophysical properties (such as structural, functional, and spatial information, amino acid conservation, physicochemical variation, residue mobility, and thermodynamic stability) performed at Invitae indicates that this missense variant is not expected to disrupt APC protein function. In summary, the available evidence is currently insufficient to determine the role of this variant in disease. Therefore, it has been classified as a Variant of Uncertain Significance.

Ambry Genetics
Classification: Uncertain significance for Hereditary cancer-predisposing syndrome. Last evaluated: 2023-03-27. Review status: criteria provided, single submitter. Criteria: Ambry Variant Classification Scheme 2023. Collection method: clinical testing. Allele origin: germline.
Comment: The p.E1464Q variant (also known as c.4390G>C), located in coding exon 15 of the APC gene, results from a G to C substitution at nucleotide position 4390. The glutamic acid at codon 1464 is replaced by glutamine, an amino acid with highly similar properties. This amino acid position is conserved. In addition, in silico predictors for this gene do not accurately predict pathogenicity. Since supporting evidence is limited at this time, the clinical significance of this alteration remains unclear.